The following is an entry in ClinVar:

ClinVar aggregate classification (germline): Uncertain significance. Review status: criteria provided, multiple submitters, no conflicts (2 of 4 stars). 2 submissions from 2 submitters: Uncertain significance (2). Last evaluated 2024-01-23.

Conditions:
Colorectal cancer, susceptibility to, 1. Also called: COLORECTAL ADENOMA AND CANCER, SUSCEPTIBILITY TO; COLORECTAL CANCER, SUSCEPTIBILITY TO, ON CHROMOSOME 9. Identifiers: MedGen C1837315, MONDO:0012132, OMIM 608812.

Submissions (2):

Baylor Genetics
Classification: Uncertain significance for Colorectal cancer, susceptibility to, 1. Last evaluated: 2024-01-23. Review status: criteria provided, single submitter. Criteria: ACMG Guidelines, 2015. Collection method: clinical testing. Allele origin: unknown.

Ambry Genetics
Classification: Uncertain significance. Last evaluated: 2022-06-02. Review status: criteria provided, single submitter. Criteria: Ambry Variant Classification Scheme 2023. Collection method: clinical testing. Allele origin: germline.
Comment: The c.254_274del21 variant (also known as p.Q85_L91del) is located in coding exon 1 of the GALNT12 gene. This variant results from an in-frame deletion of 21 nucleotides at nucleotide positions 254 to 274. This results in the in-frame deletion of 7 amino acids (QLQGEEL) at codons 85 to 91. This amino acid region is generally well conserved in available vertebrate species. The evidence for this gene-disease relationship is limited; therefore, the clinical significance of this alteration is unclear.

NM_024642.5(GALNT12):c.254_274del (p.Gln85_Leu91del)

Gene: GALNT12 (polypeptide N-acetylgalactosaminyltransferase 12; plus strand). Cytogenetic location: 9q22.33.
Variant type: Deletion.
Coding change: c.254_274del on transcript NM_024642.5 (MANE Select); coding-DNA positions 254 to 274, 21 bases deleted (AGCTGCAGGGCGAGGAGCTGC).
Protein change: p.Gln85_Leu91del.
Molecular consequence: inframe deletion.
Genome position (GRCh38, 1-based): chr9:98,807,952-98,807,972, AGCTGCAGGGCGAGGAGCTGC deleted; deleting any 21 consecutive bases within chr9:98,807,947-98,807,972 gives the same sequence; the c. name uses the placement nearest the transcript's 3' end. VCF-style (leftmost placement, unchanged base first): chr9-98807946-GGCTGCAGCTGCAGGGCGAGGA-G. GRCh37 (hg19) VCF-style: chr9-101570228-GGCTGCAGCTGCAGGGCGAGGA-G.
Identifiers: ClinVar variation 1792811 (VCV001792811.3), dbSNP rs947412769, ClinGen allele CA196833820.
Genomic context (GRCh38, chr9:98,807,946, plus strand): 5'-CGGTCATGCCGCGGCCGCCGGTGCCGGCGAACGCGCTGGGCGCGCGGGGCGAGGCGGTGC[GGCTGCAGCTGCAGGGCGAGGA>G]GCTGCGGCTGCAGGAGGAGAGCGTGCGGCTGCACCAGATTAACATCTACCTCAGCGACCG-3'